The following is an entry in ClinVar:

ClinVar aggregate classification (germline): not provided (0 of 4 stars; one submission).

Allele frequency attached by ClinVar (database versions not stated): TOPMed 0.00103; gnomAD 0.00104 and 0.00112.
gnomAD v4.1: 2,264 of 1,390,760 alleles (0.16%); highest among the groups gnomAD compares: Non-Finnish European, 0.2%; 1 homozygote.

Submission:

Human Evolutionary Genetics, Institut Pasteur
No classification provided. Review status: no classification provided. Collection method: not provided. Allele origin: germline.
ClinVar note: Converted during submission from untested to not provided.

NM_001282144.2(NLRX1):c.230-91T>C

Gene: NLRX1 (NLR family member X1; plus strand). Cytogenetic location: 11q23.3.
Variant type: single nucleotide variant.
Coding change: c.230-91T>C on transcript NM_001282144.2 (MANE Select); 91 bases into the intron before coding-DNA position 230, T replaced by C.
Molecular consequence: intron variant.
Genome position (GRCh38, 1-based): chr11:119,173,388, T>C. VCF-style: chr11-119173388-T-C. GRCh37 (hg19) VCF-style: chr11-119044097-T-C.
Other names: c.230-91T>C (NM_001282358.2, NM_024618.4, NM_001282143.2).
Identifiers: ClinVar variation 103139 (VCV000103139.2), dbSNP rs199476040, ClinGen allele CA230175.